The following is an entry in ClinVar:

NM_000018.4(ACADVL):c.1844G>A (p.Arg615Gln)

Gene: ACADVL (acyl-CoA dehydrogenase very long chain; plus strand). Cytogenetic location: 17p13.1.
Variant type: single nucleotide variant.
Coding change: c.1844G>A on transcript NM_000018.4 (MANE Select); coding-DNA position 1844, G replaced by A.
Protein change: p.Arg615Gln; replaces arginine 615 with glutamine.
Molecular consequence: missense variant.
Genome position (GRCh38, 1-based): chr17:7,224,973, G>A. VCF-style: chr17-7224973-G-A. GRCh37 (hg19) VCF-style: chr17-7128292-G-A.
Other names: p.R615Q:CGA>CAA; NM_000018.4(ACADVL):c.1844G>A; c.1778G>A, p.Arg593Gln (NM_001033859.3); c.1913G>A, p.Arg638Gln (NM_001270447.2); c.1616G>A, p.Arg539Gln (NM_001270448.2); short protein forms R615Q, R539Q, R593Q, R638Q.
Identifiers: ClinVar variation 195448 (VCV000195448.94), dbSNP rs148584617, ClinGen allele CA090895.

ClinVar aggregate classification (germline): Likely benign. Review status: reviewed by expert panel (3 of 4 stars). 21 submissions from 21 submitters: Likely benign (1). 20 of the submissions do not count toward it. Last evaluated 2023-06-27.

Conditions:
ACADVL-related disorder. Also called: ACADVL-related condition.
Very long chain acyl-CoA dehydrogenase deficiency (ACADVLD). Also called: Very Long-Chain Acyl-Coenzyme A Dehydrogenase Deficiency; VLCAD Deficiency. Identifiers: Orphanet 26793, MedGen C3887523, MONDO:0008723, OMIM 201475.

Allele frequency attached by ClinVar (database versions not stated): 1000 Genomes Project 30x 0.00078; 1000 Genomes Project 0.00080; gnomAD 0.00241 and 0.00244; ESP Exome Variant Server 0.00254; TOPMed 0.00271; ExAC 0.00285.

Submissions 1 to 14 of 21:

ClinGen ACADVL Variant Curation Expert Panel, ClinGen
Classification: Likely benign for Very long chain acyl-CoA dehydrogenase deficiency. Last evaluated: 2023-06-27. Review status: reviewed by expert panel. Criteria: clingen acadvl acmg specifications v1. Collection method: curation. Allele origin: germline.
Comment: The c.1844G>A variant in ACADVL is a missense variant predicted to cause substitution of arginine by glutamine at amino acid 615 (p.Arg615Gln), also called Arg575Gln in the processed peptide. The variant has been identified in individuals identified by positive newborn screen, or identified in individuals with suspected very long chain acyl-CoA dehydrogenase (VLCAD) deficiency that was not confirmed biochemically, but this information is insufficient to use toward classification (PMID: 10077518, 17999356, 27209629, 21932095, 26453363). The variant has been reported to occur in individuals who also carried a distinct ACADVL variant not confirmed in trans; however, since none of these individuals met PP4, the ACADVL VCEP could not count these toward PM3 evidence (PMID: 17999356, 21932095, 27209629). The highest continental population minor allele frequency in gnomAD v2.1.1 is 0.003654 in the European (non-Finnish) population, which is higher than the ClinGen ACADVL Variant Curation Expert Panel threshold (>=0.0035) for BS1, and therefore meets this criterion (BS1). The computational predictor REVEL gives a score of 0.397, which is below the threshold of 0.5, evidence that does not predict a damaging effect on ACADVL function (BP4). In summary, this variant meets the criteria to be classified as likely benign for autosomal recessive VLCAD deficiency based on the ACMG/AMP criteria applied, as specified by the ClinGen ACADVL Variant Curation Expert Panel: BS1, BP4 (ACADVL VCEP specifications version 1; approved November 8, 2021).

CeGaT Center for Human Genetics Tuebingen
Classification: Likely benign. Last evaluated: 2026-09-01. Review status: criteria provided, single submitter. Criteria: CeGaT Center For Human Genetics Tuebingen Variant Classification Criteria Version 2. Collection method: clinical testing. Allele origin: germline. Affected: yes. Observed: 15 variant alleles. Not counted in ClinVar's aggregate classification.
Comment: ACADVL: BP4, BS2

Labcorp Genetics (formerly Invitae), Labcorp
Classification: Likely benign for Very long chain acyl-CoA dehydrogenase deficiency. Last evaluated: 2026-02-01. Review status: criteria provided, single submitter. Criteria: Invitae Variant Classification Sherloc (09022015). Collection method: clinical testing. Allele origin: germline. Not counted in ClinVar's aggregate classification.

GeneDx
Classification: Uncertain significance. Last evaluated: 2025-09-26. Review status: criteria provided, single submitter. Criteria: GeneDx Variant Classification Process June 2021. Collection method: clinical testing. Allele origin: germline. Affected: yes. Not counted in ClinVar's aggregate classification.
Comment: In silico analysis suggests that this missense variant does not alter protein structure/function; Also known as p.(R575Q); This variant is associated with the following publications: (PMID: 27884173, 21932095, 27209629, 10077518, 17999356, 34485012, 32778825, 34426522, 35281663, 35626289, 25087612, 30194637, 28755359, 26453363, 38651394, 40149952, 40215729)

Mayo Clinic Laboratories, Mayo Clinic
Classification: Uncertain significance. Last evaluated: 2025-06-24. Review status: criteria provided, single submitter. Criteria: ACMG Guidelines, 2015. Collection method: clinical testing. Allele origin: germline. Observed: 9 variant alleles. Not counted in ClinVar's aggregate classification.
Comment: BS1

Women's Health and Genetics/Laboratory Corporation of America, LabCorp
Classification: Likely benign. Last evaluated: 2024-12-31. Review status: criteria provided, single submitter. Criteria: LabCorp Variant Classification Summary - May 2015. Collection method: clinical testing. Allele origin: germline. Not counted in ClinVar's aggregate classification.
Comment: Variant summary: ACADVL c.1844G>A (p.Arg615Gln) results in a conservative amino acid change in the encoded protein sequence. Five of five in-silico tools predict a benign effect of the variant on protein function. The variant allele was found at a frequency of 0.0029 in 1614080 control chromosomes (22 homozygotes), predominantly at a frequency of 0.003 within the Non-Finnish European subpopulation in the gnomAD database, including 9 homozygotes. The observed variant frequency within Non-Finnish European control individuals in the gnomAD database is approximately 1 fold of the estimated maximal expected allele frequency for a pathogenic variant in ACADVL causing Very Long Chain Acyl-CoA Dehydrogenase Deficiency phenotype (0.0029).c.1844G>A has been reported in the literature as a biallelic genotype in individuals with mild forms of VLCAD deficiency and in individuals identified through Newborn Screening who were asymptomatic (e.g. Gobin-Limballe_2007, Bastin_2011, Hoffmann_2012, Diekman_2016, Pena_2016). These report(s) do not provide unequivocal conclusions about association of the variant with Very Long Chain Acyl-CoA Dehydrogenase Deficiency. Residual enzymatic activities in compound heterozygous individuals carrying pathogenic variants in trans ranged from 21%, to 40% or similar activity to controls (Gobin-Limballe_2007, Bastin_2011, Hoffmann_2012, Diekman_2016). In one simple heterozygous individual with the variant, residual enzymatic activity was measured at 39% (Hoffmann_2012), with the authors concluding from their study that individuals with a residual enzyme activity >20% present with a biochemical phenotype but likely remain asymptomatic throughout life.The variant was found to co-occur in cis with a pathogenic variant in one homozygous and one compound heterozygous individuals who had symptoms of VLCAD (Merinero_2018). The following publications have been ascertained in the context of this evaluation (PMID: 27884173, 21378393, 26453363, 17999356, 21932095, 34426522, 28755359, 27209629). ClinVar contains an entry for this variant (Variation ID: 195448). Based on the evidence outlined above, the variant was classified as likely benign.

ARUP Laboratories, Molecular Genetics and Genomics, ARUP Laboratories
Classification: Likely benign for Very long chain acyl-CoA dehydrogenase deficiency. Last evaluated: 2024-12-04. Review status: criteria provided, single submitter. Criteria: ARUP Molecular Germline Variant Investigation Process 2024. Collection method: clinical testing. Allele origin: germline. Not counted in ClinVar's aggregate classification.

Blueprint Genetics
Classification: Likely benign. Last evaluated: 2024-11-19. Review status: criteria provided, single submitter. Criteria: ACMG Guidelines, 2015. Collection method: clinical testing. Allele origin: germline. Not counted in ClinVar's aggregate classification.

Genome-Nilou Lab
Classification: Uncertain significance for Very long chain acyl-CoA dehydrogenase deficiency. Last evaluated: 2021-05-18. Review status: criteria provided, single submitter. Criteria: ACMG Guidelines, 2015. Collection method: clinical testing. Allele origin: germline. Affected: no. Not counted in ClinVar's aggregate classification.

Wong Mito Lab, Molecular and Human Genetics, Baylor College of Medicine
Classification: Uncertain significance for Very long chain acyl-CoA dehydrogenase deficiency. Last evaluated: 2019-11-01. Review status: criteria provided, single submitter. Criteria: ACMG Guidelines, 2015. Collection method: clinical testing. Allele origin: germline. Not counted in ClinVar's aggregate classification.
Comment: The NM_000018.3:c.1844G>A (NP_000009.1:p.Arg615Gln) [GRCH38: NC_000017.11:g.7224973G>A] variant in ACADVL gene is interpretated to be Uncertain Significance based on ACMG guidelines (PMID: 25741868). This variant has been reported. This variant meets the following evidence codes reported in the ACMG guidelines: BP4

Institute of Human Genetics, University of Leipzig Medical Center
Classification: Likely benign for Very long chain acyl-CoA dehydrogenase deficiency. Last evaluated: 2019-01-01. Review status: criteria provided, single submitter. Criteria: ACMG Guidelines, 2015. Collection method: clinical testing. Allele origin: unknown. Affected: yes. Not counted in ClinVar's aggregate classification.

Eurofins Ntd Llc (ga)
Classification: Uncertain significance. Last evaluated: 2018-04-05. Review status: criteria provided, single submitter. Criteria: EGL ClinVar v180209 classification definitions. Collection method: clinical testing. Allele origin: germline. Observed: 4 variant alleles, 4 heterozygotes. Not counted in ClinVar's aggregate classification.

Illumina Laboratory Services, Illumina
Classification: Uncertain significance for Very long chain acyl-CoA dehydrogenase deficiency. Last evaluated: 2017-04-27. Review status: criteria provided, single submitter. Criteria: ICSL Variant Classification Criteria 13 December 2019. Collection method: clinical testing. Allele origin: germline. Not counted in ClinVar's aggregate classification.
Comment: This variant was observed as part of a predisposition screen in an ostensibly healthy population. A literature search was performed for the gene, cDNA change, and amino acid change (where applicable). Publications were found based on this search. However, the evidence from the literature, in combination with allele frequency data from public databases where available, was not sufficient to rule this variant in or out of causing disease. Therefore, this variant is classified as a variant of unknown significance.

Baylor Genetics
Classification: Likely benign for Very long chain acyl-CoA dehydrogenase deficiency. Review status: criteria provided, single submitter. Criteria: ACMG Guidelines, 2015. Collection method: clinical testing. Allele origin: unknown. Not counted in ClinVar's aggregate classification.